The following is an entry in ClinVar:

ClinVar aggregate classification (germline): Uncertain significance (1 of 4 stars; one submission).

Conditions:
Primary ciliary dyskinesia. Also called: Ciliary dyskinesia. Identifiers: Orphanet 244, MedGen C0008780, MONDO:0016575, HP:0012265.

Allele frequency attached by ClinVar (database versions not stated): TOPMed below 0.00001; gnomAD 0.00001.
gnomAD v4.1: 1 of 1,206,342 alleles (0.000083%); highest among the groups gnomAD compares: Admixed American, 0.0022%; no homozygotes.

Submission:

Labcorp Genetics (formerly Invitae), Labcorp
Classification: Uncertain significance for Primary ciliary dyskinesia. Last evaluated: 2023-08-04. Review status: criteria provided, single submitter. Criteria: Invitae Variant Classification Sherloc (09022015). Collection method: clinical testing. Allele origin: germline.
Comment: This variant has not been reported in the literature in individuals affected with RPGR-related conditions. This sequence change affects codon 440 of the RPGR mRNA. It is a 'silent' change, meaning that it does not change the encoded amino acid sequence of the RPGR protein. This variant is not present in population databases (gnomAD no frequency). ClinVar contains an entry for this variant (Variation ID: 1960197). Algorithms developed to predict the effect of sequence changes on RNA splicing suggest that this variant may disrupt the consensus splice site. In summary, the available evidence is currently insufficient to determine the role of this variant in disease. Therefore, it has been classified as a Variant of Uncertain Significance.

NM_001034853.2(RPGR):c.1320T>C (p.Cys440=)

Gene: RPGR (retinitis pigmentosa GTPase regulator; minus strand). Cytogenetic location: Xp11.4.
Variant type: single nucleotide variant.
Coding change: c.1320T>C on transcript NM_001034853.2 (MANE Select); coding-DNA position 1320, T replaced by C.
Protein change: p.Cys440=; no amino-acid change (cysteine 440 retained).
Molecular consequence: synonymous variant. On other transcripts: non-coding transcript variant (6).
Genome position (GRCh38, 1-based): chrX:38,297,378, A>G on the plus strand (T>C on the coding strand, the complement: RPGR is on the minus strand). VCF-style: chrX-38297378-A-G. GRCh37 (hg19) VCF-style: chrX-38156631-A-G.
Other names: c.1320T>C, p.Cys440= (NM_000328.3, NM_001367247.1); c.1317T>C, p.Cys439= (NM_001367245.1, NM_001367249.1, NM_001367250.1); c.1134T>C, p.Cys378= (NM_001367246.1, NM_001367251.1); c.1350T>C, p.Cys450= (NM_001367248.1).
Identifiers: ClinVar variation 1960197 (VCV001960197.5), dbSNP rs1217157110, ClinGen allele CA515647937.